The following is an entry in ClinVar:

ClinVar aggregate classification (germline): Conflicting classifications of pathogenicity. Review status: criteria provided, conflicting classifications (1 of 4 stars). 4 submissions from 4 submitters: Uncertain significance (1); Likely benign (2). 1 of the submissions does not count toward it. Last evaluated 2026-01-01.

Conditions:
Autosomal dominant nonsyndromic hearing loss 1. Also called: KONIGSMARK SYNDROME; DEAFNESS, AUTOSOMAL DOMINANT 1, WITH OR WITHOUT THROMBOCYTOPENIA. Identifiers: Orphanet 90635, MedGen C1852282, MONDO:0007424, OMIM 124900.
Progressive microcephaly-seizures-cortical blindness-developmental delay syndrome. Also called: Seizures, cortical blindness, and microcephaly syndrome. Identifiers: Orphanet 477814, MedGen C5567650, MONDO:0014714, OMIM 616632.
DIAPH1-related disorder. Also called: DIAPH1-related condition.

Allele frequency attached by ClinVar (database versions not stated): ExAC 0.00004; gnomAD exomes 0.00004 and 0.00006; gnomAD 0.00005 and 0.00006; TOPMed 0.00006; ESP Exome Variant Server 0.00017.
gnomAD v4.1: 95 of 1,611,160 alleles (0.0059%); highest among the groups gnomAD compares: Non-Finnish European, 0.007%; no homozygotes.

Submissions (4):

CeGaT Center for Human Genetics Tuebingen
Classification: Likely benign. Last evaluated: 2026-01-01. Review status: criteria provided, single submitter. Criteria: CeGaT Center For Human Genetics Tuebingen Variant Classification Criteria Version 2. Collection method: clinical testing. Allele origin: germline. Affected: yes. Observed: 2 variant alleles.
Comment: DIAPH1: BP4, BP7

Labcorp Genetics (formerly Invitae), Labcorp
Classification: Likely benign for Progressive microcephaly-seizures-cortical blindness-developmental delay syndrome; Autosomal dominant nonsyndromic hearing loss 1. Last evaluated: 2025-12-11. Review status: criteria provided, single submitter. Criteria: Invitae Variant Classification Sherloc (09022015). Collection method: clinical testing. Allele origin: germline.

Illumina Laboratory Services, Illumina
Classification: Uncertain significance for Autosomal dominant nonsyndromic hearing loss 1. Last evaluated: 2018-01-13. Review status: criteria provided, single submitter. Criteria: ICSL Variant Classification Criteria 13 December 2019. Collection method: clinical testing. Allele origin: germline.

PreventionGenetics, part of Exact Sciences
Classification: Likely benign for DIAPH1-related condition. Last evaluated: 2019-04-08. Review status: no assertion criteria provided. Collection method: clinical testing. Allele origin: germline. Not counted in ClinVar's aggregate classification.
Comment: This variant is classified as likely benign based on ACMG/AMP sequence variant interpretation guidelines (Richards et al. 2015 PMID: 25741868, with internal and published modifications).

NM_005219.5(DIAPH1):c.627C>T (p.Tyr209=)

Gene: DIAPH1 (diaphanous related formin 1; minus strand). Cytogenetic location: 5q31.3.
Variant type: single nucleotide variant.
Coding change: c.627C>T on transcript NM_005219.5 (MANE Select); coding-DNA position 627, C replaced by T.
Protein change: p.Tyr209=; no amino-acid change (tyrosine 209 retained).
Molecular consequence: synonymous variant.
Genome position (GRCh38, 1-based): chr5:141,582,369, G>A on the plus strand (C>T on the coding strand, the complement: DIAPH1 is on the minus strand). VCF-style: chr5-141582369-G-A. GRCh37 (hg19) VCF-style: chr5-140961936-G-A.
Other names: c.600C>T, p.Tyr200= (NM_001079812.3); c.627C>T, p.Tyr209= (NM_001314007.2).
Identifiers: ClinVar variation 351302 (VCV000351302.37), dbSNP rs369494682, ClinGen allele CA3479531.